The following is an entry in ClinVar:

NM_001927.4(DES):c.736-1G>A

Gene: DES (desmin; plus strand). Cytogenetic location: 2q35.
Variant type: single nucleotide variant.
Coding change: c.736-1G>A on transcript NM_001927.4 (MANE Select); the canonical splice acceptor site of the intron before coding-DNA position 736, G replaced by A.
Molecular consequence: splice acceptor variant. On other transcripts: intron variant (2).
Genome position (GRCh38, 1-based): chr2:219,420,494, G>A. VCF-style: chr2-219420494-G-A. GRCh37 (hg19) VCF-style: chr2-220285216-G-A.
Other names: c.736-1G>A (NM_001382712.1, NM_001382711.1, NM_001382710.1); c.735+148G>A (NM_001382709.1); c.733-1G>A (NM_001382708.1); c.496-31G>A (NM_001382713.1).
Identifiers: ClinVar variation 3544412 (VCV003544412.3).

ClinVar aggregate classification (germline): Likely pathogenic. Review status: criteria provided, multiple submitters, no conflicts (2 of 4 stars). 2 submissions from 2 submitters: Likely pathogenic (2). Last evaluated 2025-01-08.

Conditions:
DES-related disorders.
DES-related cardiomyopathy.

Submissions (2):

Molecular Genetics Laboratory, Motol Hospital
Classification: Likely pathogenic for DES-related cardiomyopathy. Last evaluated: 2025-01-08. Review status: criteria provided, single submitter. Criteria: ACMG Guidelines, 2015. Collection method: clinical testing. Allele origin: germline. Affected: yes. Observed: 1 variant allele.
Comment: null (splicing) variant in a gene where loss of function is a known mechanism of disease (PVS1), variant not present in gnomAD general population (v4.1.0) (PM2); ACMG PVS1, PM2

Blueprint Genetics
Classification: Likely pathogenic for DES-related disorders. Last evaluated: 2019-10-10. Review status: criteria provided, single submitter. Criteria: ACMG Guidelines, 2015. Collection method: clinical testing. Allele origin: germline. Affected: yes. Observed: 1 variant allele.